The following is an entry in ClinVar:

ClinVar aggregate classification (germline): Uncertain significance (1 of 4 stars; one submission).

Conditions:
Autosomal recessive congenital ichthyosis 2 (ARCI2). Identifiers: Orphanet 281122, Orphanet 79394, MedGen C3888093, MONDO:0009439, OMIM 242100.

Submission:

Juno Genomics, Hangzhou Juno Genomics, Inc
Classification: Uncertain significance for Autosomal recessive congenital ichthyosis 2. Review status: criteria provided, single submitter. Criteria: ACMG Guidelines, 2015. Collection method: clinical testing. Allele origin: germline. Affected: yes.
Comment: Absent from controls (or at extremely low frequency if recessive) in Genome Aggregation Database, Exome Sequencing Project, 1000 Genomes Project, or Exome Aggregation Consortium.

NM_001139.3(ALOX12B):c.802T>C (p.Tyr268His)

Genes: ALOX12B (arachidonate 12-lipoxygenase, 12R type; minus strand), LOC130060196 (ATAC-STARR-seq lymphoblastoid active region 11660; plus strand). Cytogenetic location: 17p13.1.
Variant type: single nucleotide variant.
Coding change: c.802T>C on transcript NM_001139.3 (MANE Select); coding-DNA position 802, T replaced by C.
Protein change: p.Tyr268His; replaces tyrosine 268 with histidine.
Molecular consequence: missense variant.
Genome position (GRCh38, 1-based): chr17:8,079,894, A>G on the plus strand (T>C on the coding strand, the complement: ALOX12B is on the minus strand). VCF-style: chr17-8079894-A-G. GRCh37 (hg19) VCF-style: chr17-7983212-A-G.
Other names: short protein forms Y268H.
Identifiers: ClinVar variation 3382652 (VCV003382652.2).